The following is an entry in ClinVar:

NM_001130987.2(DYSF):c.1276+1G>C

Gene: DYSF (dysferlin; plus strand). Cytogenetic location: 2p13.2.
Variant type: single nucleotide variant.
Coding change: c.1276+1G>C on transcript NM_001130987.2 (MANE Select); the canonical splice donor site of the intron after coding-DNA position 1276, G replaced by C.
Molecular consequence: splice donor variant.
Genome position (GRCh38, 1-based): chr2:71,526,347, G>C. VCF-style: chr2-71526347-G-C. GRCh37 (hg19) VCF-style: chr2-71753477-G-C.
Other names: c.1273+1G>C (NM_001130979.2, NM_001130981.2, NM_001130980.2); c.1180+1G>C (NM_001130978.2, NM_003494.4, NM_001130977.2 and 1 more transcripts); c.1276+1G>C (NM_001130982.2, NM_001130985.2); c.1183+1G>C (NM_001130983.2, NM_001130455.2, NM_001130984.2 and 1 more transcripts).
Identifiers: ClinVar variation 2815565 (VCV002815565.3), dbSNP rs2545492904, ClinGen allele CA347213690.

ClinVar aggregate classification (germline): Pathogenic (1 of 4 stars; one submission).

Conditions:
Neuromuscular disease caused by qualitative or quantitative defects of dysferlin. Also called: Qualitative or quantitative defects of dysferlin; Dysferlinopathy. Identifiers: Orphanet 207073, MedGen C2931687, MONDO:0016145.

Submission:

Labcorp Genetics (formerly Invitae), Labcorp
Classification: Pathogenic for Neuromuscular disease caused by qualitative or quantitative defects of dysferlin. Last evaluated: 2023-11-25. Review status: criteria provided, single submitter. Criteria: Invitae Variant Classification Sherloc (09022015). Collection method: clinical testing. Allele origin: germline.
Comment: This sequence change affects a donor splice site in intron 12 of the DYSF gene. It is expected to disrupt RNA splicing. Variants that disrupt the donor or acceptor splice site typically lead to a loss of protein function (PMID: 16199547), and loss-of-function variants in DYSF are known to be pathogenic (PMID: 17698709, 20301480). This variant is not present in population databases (gnomAD no frequency). Disruption of this splice site has been observed in individual(s) with limb-girdle muscular dystrophy (PMID: 17994539). Algorithms developed to predict the effect of sequence changes on RNA splicing suggest that this variant may disrupt the consensus splice site. For these reasons, this variant has been classified as Pathogenic.

Literature cited by the submitters: PubMed 16199547; PubMed 17698709; PubMed 20301480; PubMed 17994539.